The following is an entry in ClinVar:

ClinVar aggregate classification (germline): Uncertain significance. Review status: criteria provided, multiple submitters, no conflicts (2 of 4 stars). 3 submissions from 3 submitters: Uncertain significance (3). Last evaluated 2026-01-07.

Conditions:
Inborn genetic diseases. Identifiers: MedGen C0950123, MeSH D030342.

Allele frequency attached by ClinVar (database versions not stated): ExAC 0.00004; gnomAD exomes 0.00005; gnomAD 0.00011; TOPMed 0.00023.
gnomAD v4.1: 61 of 1,611,944 alleles (0.0038%); highest among the groups gnomAD compares: Admixed American, 0.035%; no homozygotes.

Submissions (3):

Labcorp Genetics (formerly Invitae), Labcorp
Classification: Uncertain significance. Last evaluated: 2026-01-07. Review status: criteria provided, single submitter. Criteria: Invitae Variant Classification Sherloc (09022015). Collection method: clinical testing. Allele origin: germline.
Comment: This sequence change replaces serine, which is neutral and polar, with leucine, which is neutral and non-polar, at codon 227 of the GNB3 protein (p.Ser227Leu). This variant is present in population databases (rs782769083, gnomAD 0.03%). This variant has not been reported in the literature in individuals affected with GNB3-related conditions. ClinVar contains an entry for this variant (Variation ID: 854108). Invitae Evidence Modeling of protein sequence and biophysical properties (such as structural, functional, and spatial information, amino acid conservation, physicochemical variation, residue mobility, and thermodynamic stability) indicates that this missense variant is not expected to disrupt GNB3 protein function with a negative predictive value of 80%. In summary, the available evidence is currently insufficient to determine the role of this variant in disease. Therefore, it has been classified as a Variant of Uncertain Significance.

Blueprint Genetics
Classification: Uncertain significance. Last evaluated: 2023-12-12. Review status: criteria provided, single submitter. Criteria: ACMG Guidelines, 2015. Collection method: clinical testing. Allele origin: germline.

Ambry Genetics
Classification: Uncertain significance for Inborn genetic diseases. Last evaluated: 2023-11-18. Review status: criteria provided, single submitter. Criteria: Ambry Variant Classification Scheme 2023. Collection method: clinical testing. Allele origin: germline.

NM_002075.4(GNB3):c.680C>T (p.Ser227Leu)

Gene: GNB3 (G protein subunit beta 3; plus strand). Cytogenetic location: 12p13.31.
Variant type: single nucleotide variant.
Coding change: c.680C>T on transcript NM_002075.4 (MANE Select); coding-DNA position 680, C replaced by T.
Protein change: p.Ser227Leu; replaces serine 227 with leucine.
Molecular consequence: missense variant.
Genome position (GRCh38, 1-based): chr12:6,843,959, C>T. VCF-style: chr12-6843959-C-T. GRCh37 (hg19) VCF-style: chr12-6953123-C-T.
Other names: c.677C>T, p.Ser226Leu (NM_001297571.2); c.680C>T (NM_002075.2); short protein forms S226L, S227L.
Identifiers: ClinVar variation 854108 (VCV000854108.9), dbSNP rs782769083, ClinGen allele CA6417618.